The following is an entry in ClinVar:

ClinVar aggregate classification (germline): Uncertain significance (1 of 4 stars; one submission).

Conditions:
DYRK1A-related intellectual disability syndrome (MRD7). Also called: DYRK1A Syndrome; Intellectual developmental disorder, autosomal dominant 7. Identifiers: Orphanet 464306, MedGen C5568143, MONDO:0013578, OMIM 614104.

Submission:

Labcorp Genetics (formerly Invitae), Labcorp
Classification: Uncertain significance for DYRK1A-related intellectual disability syndrome. Last evaluated: 2026-01-28. Review status: criteria provided, single submitter. Criteria: Invitae Variant Classification Sherloc (09022015). Collection method: clinical testing. Allele origin: germline.
Comment: This sequence change replaces histidine, which is basic and polar, with tyrosine, which is neutral and polar, at codon 602 of the DYRK1A protein (p.His602Tyr). This variant is not present in population databases (gnomAD no frequency). This variant has not been reported in the literature in individuals affected with DYRK1A-related conditions. Invitae Evidence Modeling of protein sequence and biophysical properties (such as structural, functional, and spatial information, amino acid conservation, physicochemical variation, residue mobility, and thermodynamic stability) indicates that this missense variant is not expected to disrupt DYRK1A protein function with a negative predictive value of 95%. In summary, the available evidence is currently insufficient to determine the role of this variant in disease. Therefore, it has been classified as a Variant of Uncertain Significance.

NM_001347721.2(DYRK1A):c.1777C>T (p.His593Tyr)

Gene: DYRK1A (dual specificity tyrosine phosphorylation regulated kinase 1A; plus strand). Cytogenetic location: 21q22.13.
Variant type: single nucleotide variant.
Coding change: c.1777C>T on transcript NM_001347721.2 (MANE Select); coding-DNA position 1777, C replaced by T.
Protein change: p.His593Tyr; replaces histidine 593 with tyrosine.
Molecular consequence: missense variant. On other transcripts: 3 prime UTR variant (2).
Genome position (GRCh38, 1-based): chr21:37,512,043, C>T. VCF-style: chr21-37512043-C-T. GRCh37 (hg19) VCF-style: chr21-38884346-C-T.
Other names: c.1777C>T, p.His593Tyr (NM_001347722.2, NM_130436.2); c.1690C>T, p.His564Tyr (NM_001347723.2); c.1804C>T, p.His602Tyr (NM_001396.5); c.*180C>T (NM_101395.2); c.*89C>T (NM_130438.2); short protein forms H593Y, H602Y, H564Y.
Identifiers: ClinVar variation 4747400 (VCV004747400.1).